The following is an entry in ClinVar:

NM_002834.5(PTPN11):c.1173C>A (p.Ser391Arg)

Gene: PTPN11 (protein tyrosine phosphatase non-receptor type 11; plus strand). Cytogenetic location: 12q24.13.
Variant type: single nucleotide variant.
Coding change: c.1173C>A on transcript NM_002834.5 (MANE Select); coding-DNA position 1173, C replaced by A.
Protein change: p.Ser391Arg; replaces serine 391 with arginine.
Molecular consequence: missense variant.
Genome position (GRCh38, 1-based): chr12:112,482,154, C>A. VCF-style: chr12-112482154-C-A. GRCh37 (hg19) VCF-style: chr12-112919958-C-A.
Other names: c.1173C>A, p.Ser391Arg (NM_001330437.2, NM_080601.3); c.1170C>A, p.Ser390Arg (NM_001374625.1); short protein forms S390R, S391R.
Identifiers: ClinVar variation 4813549 (VCV004813549.1).

ClinVar aggregate classification (germline): Uncertain significance (1 of 4 stars; one submission).

Conditions:
Noonan syndrome 1 (NS1). Also called: FEMALE PSEUDO-TURNER SYNDROME; TURNER PHENOTYPE WITH NORMAL KARYOTYPE; PTPN11-Related Noonan Syndrome. Identifiers: Orphanet 648, MedGen C4551602, MONDO:0008104, OMIM 163950. Disease mechanism: gain of function.

Submission:

Mendelics
Classification: Uncertain significance for Noonan syndrome 1. Last evaluated: 2026-03-05. Review status: criteria provided, single submitter. Criteria: ACMG Guidelines, 2015. Collection method: clinical testing. Allele origin: unknown.
Comment: The available evidence is insufficient to conclusively determine the role of this variant. Therefore, it is classified as a Variant of Uncertain Significance.